The following is an entry in ClinVar:

NM_030662.4(MAP2K2):c.621G>A (p.Glu207=)

Gene: MAP2K2 (mitogen-activated protein kinase kinase 2; minus strand). Cytogenetic location: 19p13.3.
Variant type: single nucleotide variant.
Coding change: c.621G>A on transcript NM_030662.4 (MANE Select); coding-DNA position 621, G replaced by A.
Protein change: p.Glu207=; no amino-acid change (glutamic acid 207 retained).
Molecular consequence: synonymous variant.
Genome position (GRCh38, 1-based): chr19:4,101,103, C>T on the plus strand (G>A on the coding strand, the complement: MAP2K2 is on the minus strand). VCF-style: chr19-4101103-C-T. GRCh37 (hg19) VCF-style: chr19-4101101-C-T.
Identifiers: ClinVar variation 50940 (VCV000050940.17), dbSNP rs397517416, ClinGen allele CA143892.

ClinVar aggregate classification (germline): Benign/Likely benign. Review status: criteria provided, multiple submitters, no conflicts (2 of 4 stars). 6 submissions from 6 submitters: Benign (1); Likely benign (4). 1 of the submissions does not count toward it. Last evaluated 2025-12-14.

Conditions:
MAP2K2-related disorder. Also called: MAP2K2-related condition.
Cardiovascular phenotype. Identifiers: MedGen CN230736.
RASopathy. Also called: rasopathies; Noonan spectrum disorder. Identifiers: Orphanet 536391, MedGen C5555857, MONDO:0021060.

Allele frequency attached by ClinVar (database versions not stated): ExAC 0.00001; gnomAD 0.00001; gnomAD exomes 0.00002; TOPMed 0.00002.
gnomAD v4.1: 35 of 1,606,254 alleles (0.0022%); highest among the groups gnomAD compares: Middle Eastern, 0.066%; no homozygotes.

Submissions (6):

Labcorp Genetics (formerly Invitae), Labcorp
Classification: Likely benign for RASopathy. Last evaluated: 2025-12-14. Review status: criteria provided, single submitter. Criteria: Invitae Variant Classification Sherloc (09022015). Collection method: clinical testing. Allele origin: germline.

Ambry Genetics
Classification: Likely benign for Cardiovascular phenotype. Last evaluated: 2023-04-09. Review status: criteria provided, single submitter. Criteria: Ambry Variant Classification Scheme 2023. Collection method: clinical testing. Allele origin: germline.

GeneDx
Classification: Benign. Last evaluated: 2015-07-14. Review status: criteria provided, single submitter. Criteria: GeneDx Variant Classification (06012015). Collection method: clinical testing. Allele origin: germline. Affected: yes.
Comment: This variant is considered likely benign or benign based on one or more of the following criteria: it is a conservative change, it occurs at a poorly conserved position in the protein, it is predicted to be benign by multiple in silico algorithms, and/or has population frequency not consistent with disease.

Laboratory for Molecular Medicine, Mass General Brigham Personalized Medicine
Classification: Likely benign. Last evaluated: 2010-10-05. Review status: criteria provided, single submitter. Criteria: LMM Criteria. Collection method: clinical testing. Allele origin: germline. Observed: 1 variant allele.

Breakthrough Genomics
Classification: Likely benign. Review status: criteria provided, single submitter. Criteria: ACMG Guidelines, 2015. Collection method: not provided. Allele origin: germline. Inheritance: Autosomal dominant inheritance. Affected: yes.

PreventionGenetics, part of Exact Sciences
Classification: Likely benign for MAP2K2-related condition. Last evaluated: 2020-08-17. Review status: no assertion criteria provided. Collection method: clinical testing. Allele origin: germline. Not counted in ClinVar's aggregate classification.
Comment: This variant is classified as likely benign based on ACMG/AMP sequence variant interpretation guidelines (Richards et al. 2015 PMID: 25741868, with internal and published modifications).